The following is an entry in ClinVar:

ClinVar aggregate classification (germline): Likely benign. Review status: criteria provided, multiple submitters, no conflicts (2 of 4 stars). 2 submissions from 2 submitters: Likely benign (2). Last evaluated 2026-04-12.

Conditions:
TBR1-related disorder. Also called: TBR1-related condition.
Inborn genetic diseases. Identifiers: MedGen C0950123, MeSH D030342.

gnomAD v4.1: 75 of 1,590,828 alleles (0.0047%); highest among the groups gnomAD compares: African/African-American, 0.085%; no homozygotes.

Submissions (2):

PreventionGenetics, part of Exact Sciences
Classification: Likely benign for TBR1-related condition. Last evaluated: 2026-04-12. Review status: criteria provided, single submitter. Criteria: ACMG Guidelines, 2015. Collection method: clinical testing. Allele origin: germline.
Comment: This variant is classified as likely benign based on ACMG/AMP sequence variant interpretation guidelines (Richards et al. 2015 PMID: 25741868, with internal and published modifications).

Ambry Genetics
Classification: Likely benign for Inborn genetic diseases. Last evaluated: 2024-04-01. Review status: criteria provided, single submitter. Criteria: Ambry Variant Classification Scheme 2023. Collection method: clinical testing. Allele origin: germline.

NM_006593.4(TBR1):c.2038T>A (p.Ser680Thr)

Gene: TBR1 (T-box brain transcription factor 1; plus strand). Cytogenetic location: 2q24.2.
Variant type: single nucleotide variant.
Coding change: c.2038T>A on transcript NM_006593.4 (MANE Select); coding-DNA position 2038, T replaced by A.
Protein change: p.Ser680Thr; replaces serine 680 with threonine.
Molecular consequence: missense variant.
Genome position (GRCh38, 1-based): chr2:161,424,216, T>A. VCF-style: chr2-161424216-T-A. GRCh37 (hg19) VCF-style: chr2-162280727-T-A.
Other names: c.2038T>A (NM_006593.3); short protein forms S680T.
Identifiers: ClinVar variation 3324813 (VCV003324813.2).